The following is an entry in ClinVar:

NM_000135.4(FANCA):c.3646G>T (p.Ala1216Ser)

Gene: FANCA (FA complementation group A; minus strand). Cytogenetic location: 16q24.3.
Variant type: single nucleotide variant.
Coding change: c.3646G>T on transcript NM_000135.4 (MANE Select); coding-DNA position 3646, G replaced by T.
Protein change: p.Ala1216Ser; replaces alanine 1216 with serine.
Molecular consequence: missense variant.
Genome position (GRCh38, 1-based): chr16:89,742,919, C>A on the plus strand (G>T on the coding strand, the complement: FANCA is on the minus strand). VCF-style: chr16-89742919-C-A. GRCh37 (hg19) VCF-style: chr16-89809327-C-A.
Other names: c.3646G>T, p.Ala1216Ser (NM_001286167.3); short protein forms A1216S.
Identifiers: ClinVar variation 1427095 (VCV001427095.6), dbSNP rs1262639465, ClinGen allele CA397485516.

ClinVar aggregate classification (germline): Uncertain significance (1 of 4 stars; one submission).

Conditions:
Fanconi anemia (FA). Also called: Fanconi's anemia. Identifiers: Orphanet 84, MedGen C0015625, MeSH D005199, MONDO:0019391.

Submission:

Labcorp Genetics (formerly Invitae), Labcorp
Classification: Uncertain significance for Fanconi anemia. Last evaluated: 2021-07-29. Review status: criteria provided, single submitter. Criteria: Invitae Variant Classification Sherloc (09022015). Collection method: clinical testing. Allele origin: germline.
Comment: Advanced modeling of protein sequence and biophysical properties (such as structural, functional, and spatial information, amino acid conservation, physicochemical variation, residue mobility, and thermodynamic stability) performed at Invitae indicates that this missense variant is not expected to disrupt FANCA protein function. In summary, the available evidence is currently insufficient to determine the role of this variant in disease. Therefore, it has been classified as a Variant of Uncertain Significance. This variant has not been reported in the literature in individuals affected with FANCA-related conditions. This variant is not present in population databases (ExAC no frequency). This sequence change replaces alanine with serine at codon 1216 of the FANCA protein (p.Ala1216Ser). The alanine residue is moderately conserved and there is a moderate physicochemical difference between alanine and serine.